The following is an entry in ClinVar:

ClinVar aggregate classification (germline): Pathogenic (1 of 4 stars; one submission).

Conditions:
Arrhythmogenic cardiomyopathy with wooly hair and keratoderma. Also called: PALMOPLANTAR KERATODERMA WITH LEFT VENTRICULAR CARDIOMYOPATHY AND WOOLLY HAIR; Arrhythmogenic cardiomyopathy with woolly hair and keratoderma; Carvajal syndrome; Dilated cardiomyopathy with woolly hair and keratoderma. Identifiers: Orphanet 65282, MedGen C1854063, MONDO:0011581, OMIM 605676.
Arrhythmogenic right ventricular dysplasia 8 (ARVD8). Also called: ARRHYTHMOGENIC RIGHT VENTRICULAR DYSPLASIA, FAMILIAL, 8; Arrhythmogenic Right Ventricular Dysplasia/Cardiomyopathy 8; ARRHYTHMOGENIC RIGHT VENTRICULAR CARDIOMYOPATHY 8. Identifiers: MedGen C1843896, MONDO:0011831, OMIM 607450.

Submission:

Labcorp Genetics (formerly Invitae), Labcorp
Classification: Pathogenic for Arrhythmogenic cardiomyopathy with wooly hair and keratoderma; Arrhythmogenic right ventricular dysplasia 8. Last evaluated: 2020-05-15. Review status: criteria provided, single submitter. Criteria: Invitae Variant Classification Sherloc (09022015). Collection method: clinical testing. Allele origin: unknown.
Comment: For these reasons, this variant has been classified as Pathogenic. Loss-of-function variants in DSP are known to be pathogenic (PMID: 20716751, 24503780, 25227139). This variant has not been reported in the literature in individuals with DSP-related conditions. This variant is a complex rearrangement that results in the deletion of exons 1, 3 and 4 and inversion of exon 2 of the DSP gene. Although the exact nature of this event is unknown, it is expected to result in an absent or disrupted protein product.

Literature cited by the submitters: PubMed 20716751; PubMed 24503780; PubMed 25227139.

NC_000006.11:g.(?_7532151)_(7559633_?)del

Gene: DSP (desmoplakin; plus strand). Cytogenetic location: 6p24.3.
Variant type: Deletion.
Identifiers: ClinVar variation 3246002 (VCV003246002.1).